The following is an entry in ClinVar:

NM_001005242.3(PKP2):c.1127del (p.Phe376fs)

Gene: PKP2 (plakophilin 2; minus strand). Cytogenetic location: 12p11.21.
Variant type: Deletion.
Coding change: c.1127del on transcript NM_001005242.3 (MANE Select); coding-DNA position 1127, one base deleted (T; older notation c.1127delT).
Protein change: p.Phe376fs; shifts the reading frame from phenylalanine 376.
Molecular consequence: frameshift variant.
Genome position (GRCh38, 1-based): chr12:32,868,970, A deleted on the plus strand (T on the coding strand, the reverse complement: PKP2 is on the minus strand); the first of 3 consecutive A bases (chr12:32,868,970-32,868,972); deleting any one gives the same sequence. VCF-style (leftmost placement, unchanged base first): chr12-32868969-GA-G. GRCh37 (hg19) VCF-style: chr12-33021903-GA-G.
Other names: c.1127del, p.Phe376fs (NM_004572.4); short protein forms F376fs.
Identifiers: ClinVar variation 1076311 (VCV001076311.7), dbSNP rs2137919527, ClinGen allele CA2499221623.

ClinVar aggregate classification (germline): Pathogenic (1 of 4 stars; one submission).

Conditions:
Arrhythmogenic right ventricular dysplasia 9 (ARVD9). Also called: Arrhythmogenic Right Ventricular Dysplasia/Cardiomyopathy 9; ARRHYTHMOGENIC RIGHT VENTRICULAR DYSPLASIA, FAMILIAL, 9. Identifiers: MedGen C1836906, MONDO:0012180, OMIM 609040.

Submission:

Labcorp Genetics (formerly Invitae), Labcorp
Classification: Pathogenic for Arrhythmogenic right ventricular dysplasia 9. Last evaluated: 2022-03-19. Review status: criteria provided, single submitter. Criteria: Invitae Variant Classification Sherloc (09022015). Collection method: clinical testing. Allele origin: germline.
Comment: For these reasons, this variant has been classified as Pathogenic. ClinVar contains an entry for this variant (Variation ID: 1076311). This variant has not been reported in the literature in individuals affected with PKP2-related conditions. This variant is not present in population databases (gnomAD no frequency). This sequence change creates a premature translational stop signal (p.Phe376Serfs*29) in the PKP2 gene. It is expected to result in an absent or disrupted protein product. Loss-of-function variants in PKP2 are known to be pathogenic (PMID: 15489853, 23911551).

Literature cited by the submitters: PubMed 15489853; PubMed 23911551.